The following is an entry in ClinVar:

NM_000452.3(SLC10A2):c.156C>T (p.Asn52=)

Gene: SLC10A2 (solute carrier family 10 member 2; minus strand). Cytogenetic location: 13q33.1.
Variant type: single nucleotide variant.
Coding change: c.156C>T on transcript NM_000452.3 (MANE Select); coding-DNA position 156, C replaced by T.
Protein change: p.Asn52=; no amino-acid change (asparagine 52 retained).
Molecular consequence: synonymous variant.
Genome position (GRCh38, 1-based): chr13:103,066,094, G>A on the plus strand (C>T on the coding strand, the complement: SLC10A2 is on the minus strand). VCF-style: chr13-103066094-G-A. GRCh37 (hg19) VCF-style: chr13-103718444-G-A.
Identifiers: ClinVar variation 2070003 (VCV002070003.29), dbSNP rs71640246, ClinGen allele CA7042329.
Genomic context (GRCh38, chr13:103,066,094, plus strand): 5'-GAAGCCAACACAAATGCCCCACGGCCGCTTTATGTGCCCTAGAAATTTCTTGATTTCCAC[G>A]TTGCATCCCATGGAGAACATCACCAAGGCCAACAGGATGGTCAGCACCGTACTTAGGACC-3'
Protein context (NP_000443.2, residues 42-62): LALVMFSMGC[Asn52=]VEIKKFLGHI

ClinVar aggregate classification (germline): Benign/Likely benign. Review status: criteria provided, multiple submitters, no conflicts (2 of 4 stars). 3 submissions from 3 submitters: Benign (1); Likely benign (2). Last evaluated 2026-01-24.

Allele frequency attached by ClinVar (database versions not stated): gnomAD 0.00026; 1000 Genomes Project 30x 0.00031; TOPMed 0.00032; gnomAD exomes 0.00038; 1000 Genomes Project 0.00040; ESP Exome Variant Server 0.00046; ExAC 0.00054.
gnomAD v4.1: 603 of 1,613,922 alleles (0.037%); highest among the groups gnomAD compares: South Asian, 0.21%; 4 homozygotes.

Submissions (3):

Labcorp Genetics (formerly Invitae), Labcorp
Classification: Benign. Last evaluated: 2026-01-24. Review status: criteria provided, single submitter. Criteria: Invitae Variant Classification Sherloc (09022015). Collection method: clinical testing. Allele origin: germline.

Blueprint Genetics
Classification: Likely benign. Last evaluated: 2024-11-26. Review status: criteria provided, single submitter. Criteria: ACMG Guidelines, 2015. Collection method: clinical testing. Allele origin: germline.

CeGaT Center for Human Genetics Tuebingen
Classification: Likely benign. Last evaluated: 2023-04-01. Review status: criteria provided, single submitter. Criteria: CeGaT Center For Human Genetics Tuebingen Variant Classification Criteria Version 2. Collection method: clinical testing. Allele origin: germline. Affected: yes. Observed: 1 variant allele.
Comment: SLC10A2: BP4, BP7